The following is an entry in ClinVar:

NM_003482.4(KMT2D):c.10392G>A (p.Gly3464=)

Gene: KMT2D (lysine methyltransferase 2D; minus strand). Cytogenetic location: 12q13.12.
Variant type: single nucleotide variant.
Coding change: c.10392G>A on transcript NM_003482.4 (MANE Select); coding-DNA position 10392, G replaced by A.
Protein change: p.Gly3464=; no amino-acid change (glycine 3464 retained).
Molecular consequence: synonymous variant.
Genome position (GRCh38, 1-based): chr12:49,034,630, C>T on the plus strand (G>A on the coding strand, the complement: KMT2D is on the minus strand). VCF-style: chr12-49034630-C-T. GRCh37 (hg19) VCF-style: chr12-49428413-C-T.
Identifiers: ClinVar variation 1327754 (VCV001327754.34), dbSNP rs367726813, ClinGen allele CA6546521.
Genomic context (GRCh38, chr12:49,034,630, plus strand): 5'-CTGACCACTTACCTGGCCACTCCCAGCTGCCACATGGTTCTGCAGATCACTGCTAGGTCC[C>T]CCCGAGAGCCTCTGGGCTAGCAGAGACACTTGCTGTCTGGAGTCCACCAAAGCACAGAAG-3'
Protein context (NP_003473.3, residues 3454-3474): QVSLLAQRLS[Gly3464=]GPSSDLQNHV

ClinVar aggregate classification (germline): Benign. Review status: criteria provided, multiple submitters, no conflicts (2 of 4 stars). 4 submissions from 4 submitters: Benign (3). 1 of the submissions does not count toward it. Last evaluated 2026-01-25.

Conditions:
Kabuki syndrome. Also called: NIIKAWA-KUROKI SYNDROME; Kabuki make-up syndrome. Identifiers: Orphanet 2322, MedGen C0796004, MONDO:0016512.
KMT2D-related disorder. Also called: KMT2D-Related Disorders.

Allele frequency attached by ClinVar (database versions not stated): gnomAD exomes 0.00006; ExAC 0.00011; gnomAD 0.00032 and 0.00036; TOPMed 0.00036; ESP Exome Variant Server 0.00041; 1000 Genomes Project 0.00060; 1000 Genomes Project 30x 0.00062.
gnomAD v4.1: 90 of 1,613,646 alleles (0.0056%); highest among the groups gnomAD compares: African/African-American, 0.12%; 1 homozygote.

Submissions (4):

Labcorp Genetics (formerly Invitae), Labcorp
Classification: Benign for Kabuki syndrome. Last evaluated: 2026-01-25. Review status: criteria provided, single submitter. Criteria: Invitae Variant Classification Sherloc (09022015). Collection method: clinical testing. Allele origin: germline.

CeGaT Center for Human Genetics Tuebingen
Classification: Benign. Last evaluated: 2022-09-01. Review status: criteria provided, single submitter. Criteria: CeGaT Center For Human Genetics Tuebingen Variant Classification Criteria Version 2. Collection method: clinical testing. Allele origin: germline. Affected: yes. Observed: 1 variant allele.
Comment: KMT2D: BS1, BS2

GeneDx
Classification: Benign. Last evaluated: 2021-12-07. Review status: criteria provided, single submitter. Criteria: GeneDx Variant Classification Process June 2021. Collection method: clinical testing. Allele origin: germline. Affected: yes.

PreventionGenetics, part of Exact Sciences
Classification: Likely benign for KMT2D-related condition. Last evaluated: 2022-01-26. Review status: no assertion criteria provided. Collection method: clinical testing. Allele origin: germline. Not counted in ClinVar's aggregate classification.
Comment: This variant is classified as likely benign based on ACMG/AMP sequence variant interpretation guidelines (Richards et al. 2015 PMID: 25741868, with internal and published modifications).